The following is an entry in ClinVar:

NM_015158.5(KANK1):c.38-2535T>G

Gene: KANK1 (KN motif and ankyrin repeat domains 1; plus strand). Cytogenetic location: 9p24.3.
Variant type: single nucleotide variant.
Coding change: c.38-2535T>G on transcript NM_015158.5 (MANE Select); 2535 bases into the intron before coding-DNA position 38, T replaced by G.
Molecular consequence: intron variant.
Genome position (GRCh38, 1-based): chr9:708,269, T>G. VCF-style: chr9-708269-T-G. GRCh37 (hg19) VCF-style: chr9-708269-T-G.
Other names: c.38-2535T>G (NM_001256876.3, NM_001354334.2, NM_001256877.3 and 2 more transcripts); c.-437-2535T>G (NM_001354333.2, NM_001354335.2, NM_001354336.2 and 4 more transcripts); c.-438+1018T>G (NM_001354341.2, NM_001354343.2); c.-438+1022T>G (NM_153186.6, NM_001354342.2, NM_001354344.2).
Identifiers: ClinVar variation 2659019 (VCV002659019.24), dbSNP rs139575369, ClinGen allele CA187832523.
Genomic context (GRCh38, chr9:708,269, plus strand): 5'-AATTTCAGACAGTCCTGGAGACAGGTCTGGCTGCTGCAGCTTCTCTCCTGTTAATGGAAT[T>G]TCAGACAGTACTGGAGACAGGTCTGGCTGCATATTTTGAGTGATCACCTTCTCCATGTGG-3'

ClinVar aggregate classification (germline): Benign (1 of 4 stars; one submission).

Allele frequency attached by ClinVar (database versions not stated): gnomAD 0.00378; 1000 Genomes Project 0.01378.
gnomAD v4.1: 537 of 143,448 alleles (0.37%); highest among the groups gnomAD compares: South Asian, 1.4%; 5 homozygotes.

Submission:

CeGaT Center for Human Genetics Tuebingen
Classification: Benign. Last evaluated: 2023-04-01. Review status: criteria provided, single submitter. Criteria: CeGaT Center For Human Genetics Tuebingen Variant Classification Criteria Version 2. Collection method: clinical testing. Allele origin: germline. Affected: yes. Observed: 4 variant alleles.
Comment: KANK1: BS1, BS2